The following is an entry in ClinVar:

NM_007294.4(BRCA1):c.5207T>G (p.Val1736Gly)

Gene: BRCA1 (BRCA1 DNA repair associated; minus strand). Cytogenetic location: 17q21.31.
Variant type: single nucleotide variant.
Coding change: c.5207T>G on transcript NM_007294.4 (MANE Select); coding-DNA position 5207, T replaced by G.
Protein change: p.Val1736Gly; replaces valine 1736 with glycine.
Molecular consequence: missense variant. On other transcripts: non-coding transcript variant (1).
Genome position (GRCh38, 1-based): chr17:43,057,122, A>C on the plus strand (T>G on the coding strand, the complement: BRCA1 is on the minus strand). VCF-style: chr17-43057122-A-C. GRCh37 (hg19) VCF-style: chr17-41209139-A-C.
Other names: c.5060T>G, p.Val1687Gly (NM_001407851.1, NM_001407852.1, NM_001407853.1 and 12 more transcripts); c.5207T>G, p.Val1736Gly (NM_001407854.1, NM_001407593.1, NM_001407594.1 and 7 more transcripts); c.5204T>G, p.Val1735Gly (NM_001407858.1, NM_001407859.1, NM_001407860.1 and 17 more transcripts); c.5201T>G, p.Val1734Gly (NM_001407861.1, NM_001407627.1, NM_001407628.1 and 14 more transcripts); c.4997T>G, p.Val1666Gly (NM_001407887.1, NM_001407889.1, NM_001407879.1 and 5 more transcripts); c.4994T>G, p.Val1665Gly (NM_001407894.1, NM_001407895.1, NM_001407896.1 and 12 more transcripts); c.4991T>G, p.Val1664Gly (NM_001407918.1, NM_001407915.1, NM_001407916.1 and 1 more transcripts); c.5084T>G, p.Val1695Gly (NM_001407919.1, NM_001407937.1, NM_001407938.1 and 6 more transcripts); and 72 more; short protein forms V1736G, V1757G, V1689G, V632G, V1439G, V1625G, V1647G, V1687G.
Identifiers: ClinVar variation 55456 (VCV000055456.18), dbSNP rs45553935, ClinGen allele CA003358.

ClinVar aggregate classification (germline): Pathogenic/Likely pathogenic. Review status: criteria provided, multiple submitters, no conflicts (2 of 4 stars). 7 submissions from 7 submitters: Pathogenic (1); Likely pathogenic (4). 2 of the submissions do not count toward it. Last evaluated 2025-10-13.

Conditions:
BRCA1-related cancer predisposition. Identifiers: MedGen CN377757, MONDO:0700268.
Hereditary cancer-predisposing syndrome. Also called: Hereditary Cancer Syndrome; Neoplastic Syndromes, Hereditary; Hereditary neoplastic syndrome; Tumor predisposition. Identifiers: Orphanet 140162, MedGen C0027672, MeSH D009386, MONDO:0015356.
Hereditary breast ovarian cancer syndrome. Also called: Breast and ovarian cancer; Hereditary breast and ovarian cancer syndrome; Hereditary breast and ovarian cancer syndrome (HBOC); BRCA1- and BRCA2-Associated Hereditary Breast and Ovarian Cancer; Hereditary breast and ovarian cancer; Hereditary breast and/or ovarian cancer syndrome. Identifiers: Orphanet 145, MedGen C0677776, MeSH D061325, MONDO:0003582. Disease mechanism: loss of function.
Breast-ovarian cancer, familial, susceptibility to, 1 (BROVCA1). Also called: BRCA1 Hereditary Breast and Ovarian Cancer; OVARIAN CANCER, SUSCEPTIBILITY TO. Identifiers: Orphanet 145, MedGen C2676676, MONDO:0011450, OMIM 604370. Disease mechanism: loss of function.

Submissions (8):

Hema, HEMA – Genetic and Molecular Diagnostic Laboratory
Classification: Likely pathogenic for BRCA1-related cancer predisposition. Last evaluated: 2025-10-13. Review status: criteria provided, single submitter. Criteria: HEMA Variant Classification Assertion Criteria. Collection method: clinical testing. Allele origin: germline.
Comment: The c.5207T>G p.(Val1736Gly) variant is a transversion from adenine to cytosine, resulting in the substitution of valine 1736 by glycine. PS3: Two calibrated functional studies showed that the variant affects protein function (PMID: 30209399, 30765603). PM2_Supporting: Absent in the gnomAD v2.1.1 non-cancer and v3.1.2 non-cancer databases. PP3: Variant within the BRCT domain for which the computational metapredictor BayesDel_noAF score = 0.42 ≥ 0.28 indicates that the variant would affect the function of the BRCA1 protein. PP4_Moderate: The multifactorial analysis of the likelihood ratio using clinically calibrated data produced a combined LR for this variant of 7.2 ≥ 4.3 based on co-occurrence LR = 1.10 and family history LR = 6.53 (PMID: 31131967).

Sema4
Classification: Likely pathogenic for Hereditary cancer-predisposing syndrome. Last evaluated: 2022-03-16. Review status: criteria provided, single submitter. Criteria: Sema4 Curation Guidelines. Collection method: curation. Allele origin: germline.
Comment: The BRCA1 c.5207T>G (p.V1736G) variant has been reported in heterozygosity in several individuals with cancer (PMID: 16267036, 31843900). Functional studies have shown that this variant alters the transcriptional activation activity, homology-directed repair function of BRCA1, and peptide binding (PMID: 28781887, 20516115, 30209399). These functional data are supported by in silico prediction tools, which predict the variant to be deleterious. A multifactorial likelihood model that incorporates several lines of evidence, including co-occurrence and familial data, suggest this variant is likely pathogenic (PMID: 31131967). This variant is not reported in the Genome Aggregation Database (PMID: 32461654), but has been reported in ClinVar (Variation ID: 55456). In addition, a different pathogenic missense change at this codon, p.V1736A, has been reported in ClinVar in individuals affected with hereditary breast and ovarian cancer (Variation ID: 37648). Based on the current evidence available, this variant is interpreted as likely pathogenic.

Color Diagnostics, LLC DBA Color Health
Classification: Likely pathogenic for Hereditary cancer-predisposing syndrome. Last evaluated: 2021-07-20. Review status: criteria provided, single submitter. Criteria: ACMG Guidelines, 2015. Collection method: clinical testing. Allele origin: germline.
Comment: This missense variant replaces valine with glycine at codon 1736 of the BRCA1 protein. Computational prediction suggests that this variant may have deleterious impact on protein structure and function (internally defined REVEL score threshold >= 0.7, PMID: 27666373). Functional studies have shown that this variant impacts BRCA1 function in transcription activation and in a haploid cell proliferation assay (PMID: 20516115, 30209399). A different missense variant p.Val1738Ala is reported as disease-causing in ClinVar (variation ID 37648), suggesting that valine or similar amino acid at this position may be important for function. To our knowledge, this variant has not been reported in individuals affected with hereditary cancer in the literature. This variant has not been identified in the general population by the Genome Aggregation Database (gnomAD). Based on the available evidence, this variant is classified as Likely Pathogenic.

Ambry Genetics
Classification: Pathogenic for Hereditary cancer-predisposing syndrome. Last evaluated: 2019-11-27. Review status: criteria provided, single submitter. Criteria: Ambry Variant Classification Scheme 2023. Collection method: clinical testing. Allele origin: germline.
Comment: The p.V1736G pathogenic mutation (also known as c.5207T>G), located in coding exon 18 of the BRCA1 gene, results from a T to G substitution at nucleotide position 5207. The valine at codon 1736 is replaced by glycine, an amino acid with dissimilar properties. A transcription activation assay found that this variant had <80% activity relative to wildtype and was, thus, considered deleterious (Fernandes VC et al. J. Biol. Chem., 2019 04;294:5980-5992). Additionally, a functional study found that this nucleotide substitution is deleterious in a high throughput genome editing haploid cell survival assay (Findlay GM et al. Nature, 2018 10;562:217-222) and another functional study found this alteration to be severely defective in all assays (Lee MS et al. Cancer Res., 2010 Jun;70:4880-90). This amino acid position is highly conserved in available vertebrate species. In addition, this alteration is predicted to be deleterious by in silico analysis. This amino acid position is highly conserved in available vertebrate species. In addition, this alteration is predicted to be deleterious by in silico analysis. Based on the supporting evidence, this alteration is interpreted as a disease-causing mutation.

Women's Health and Genetics/Laboratory Corporation of America, LabCorp
Classification: Likely pathogenic for Hereditary breast and ovarian cancer syndrome. Last evaluated: 2019-04-11. Review status: criteria provided, single submitter. Criteria: LabCorp Variant Classification Summary - May 2015. Collection method: clinical testing. Allele origin: germline.
Comment: Variant summary: BRCA1 c.5207T>G (p.Val1736Gly) results in a non-conservative amino acid change located in the BRCT domain of the encoded protein sequence. Five of five in-silico tools predict a damaging effect of the variant on protein function. The variant was absent in 277208 control chromosomes. c.5207T>G has been reported in individuals affected with Hereditary Breast and Ovarian Cancer (Judkins_2005, internal data). These reports do not provide unequivocal conclusions about association of the variant with Hereditary Breast and Ovarian Cancer. A functional study demonstrated the variant to decrease protein stability, phosphopeptide binding activity, phosphopeptide binding specificity and transcriptional activity of BRCA1 (Lee_2010). Multiple studies involving computational analysis predict this variant to be pathogenic/deleterious (Cao_2019, Thompson_2016, Woods_2016, Karchin_2007, Pavlicek_2004). Different variants at the same codon such as c.5207delT, c.5207T>C are listed in databases (ClinVar, HGMD) with disease causing outcome indicating the variant to be located in a mutational hotspot and the clinical relevance of the Val1736 residue. No clinical diagnostic laboratories have submitted clinical-significance assessments for this variant to ClinVar after 2014. Based on the evidence outlined above, the variant was classified as likely pathogenic.

King Laboratory, University of Washington
Classification: Benign. Last evaluated: 2019-09-01. Review status: no assertion criteria provided. Collection method: research. Allele origin: germline. Affected: yes. Not counted in ClinVar's aggregate classification.
Comment: Transcript analysis by cBROCA

Breast Cancer Information Core (BIC) (BRCA1)
Classification: Uncertain significance for Breast-ovarian cancer, familial 1. Last evaluated: 2004-02-20. Review status: no assertion criteria provided. Collection method: clinical testing. Allele origin: germline. Affected: yes. Observed: 1 variant allele. Not counted in ClinVar's aggregate classification.

Brotman Baty Institute, University of Washington
No classification provided (evidence only). Condition: Breast-ovarian cancer, familial 1. Review status: no classification provided. Collection method: in vitro. Allele origin: not applicable. Functional consequence: functionally_abnormal. Not counted in ClinVar's aggregate classification.
ClinVar note: "not provided" was previously submitted as the classification for the variant. However, the classification appeared to be based only on an observation of functional data so it was converted to no classification on 2025-07-30.

Literature cited by the submitters: PubMed 30209399 (cited by 3 submitters); PubMed 30765603 (cited by Hema, HEMA – Genetic and Molecular Diagnostic Laboratory and Ambry Genetics); PubMed 31131967 (cited by 3 submitters); PubMed 16267036 (cited by 3 submitters); PubMed 31843900 (cited by Sema4 and King Laboratory, University of Washington); PubMed 28781887 (cited by Sema4 and Ambry Genetics); PubMed 20516115 (cited by 3 submitters); PubMed 17305420 (cited by Ambry Genetics and Women's Health and Genetics/Laboratory Corporation of America, LabCorp); PubMed 31144781 (cited by Ambry Genetics); PubMed 15385441 (cited by Women's Health and Genetics/Laboratory Corporation of America, LabCorp).